The following is an entry in ClinVar:

NM_005068.3(SIM1):c.453G>A (p.Val151=)

Gene: SIM1 (SIM bHLH transcription factor 1; minus strand). Cytogenetic location: 6q16.3.
Variant type: single nucleotide variant.
Coding change: c.453G>A on transcript NM_005068.3 (MANE Select); coding-DNA position 453, G replaced by A.
Protein change: p.Val151=; no amino-acid change (valine 151 retained).
Molecular consequence: synonymous variant.
Genome position (GRCh38, 1-based): chr6:100,449,595, C>T on the plus strand (G>A on the coding strand, the complement: SIM1 is on the minus strand). VCF-style: chr6-100449595-C-T. GRCh37 (hg19) VCF-style: chr6-100897471-C-T.
Other names: c.453G>A, p.Val151= (NM_001374769.1).
Identifiers: ClinVar variation 3353620 (VCV003353620.1).

ClinVar aggregate classification (germline): Likely benign (0 of 4 stars; one submission).

Conditions:
SIM1-related disorder. Also called: SIM1-related condition; SIM1-related disorders.

Submission:

PreventionGenetics, part of Exact Sciences
Classification: Likely benign for SIM1-related condition. Last evaluated: 2022-05-26. Review status: no assertion criteria provided. Collection method: clinical testing. Allele origin: germline.
Comment: This variant is classified as likely benign based on ACMG/AMP sequence variant interpretation guidelines (Richards et al. 2015 PMID: 25741868, with internal and published modifications).